The following is an entry in ClinVar:

ClinVar aggregate classification (germline): Pathogenic/Likely pathogenic. Review status: criteria provided, multiple submitters, no conflicts (2 of 4 stars). 2 submissions from 2 submitters: Pathogenic (1); Likely pathogenic (1). Last evaluated 2026-01-12.

Conditions:
Osteogenesis imperfecta type 8 (OI8). Identifiers: MedGen C1970458, MONDO:0012581, OMIM 610915.

Allele frequency attached by ClinVar (database versions not stated): gnomAD 0.00001; ExAC 0.00002; gnomAD exomes 0.00002; TOPMed 0.00003.

Submissions (2):

Labcorp Genetics (formerly Invitae), Labcorp
Classification: Pathogenic for Osteogenesis imperfecta type 8. Last evaluated: 2026-01-12. Review status: criteria provided, single submitter. Criteria: Invitae Variant Classification Sherloc (09022015). Collection method: clinical testing. Allele origin: germline.
Comment: This sequence change affects a donor splice site in intron 8 of the P3H1 gene. It is expected to disrupt RNA splicing. Variants that disrupt the donor or acceptor splice site typically lead to a loss of protein function (PMID: 16199547), and loss-of-function variants in P3H1 are known to be pathogenic (PMID: 17277775, 18566967, 19088120, 22281939). This variant is present in population databases (rs780595278, gnomAD 0.04%). Disruption of this splice site has been observed in individual(s) with osteogenesis imperfecta (PMID: 39025364). ClinVar contains an entry for this variant (Variation ID: 1519163). Algorithms developed to predict the effect of sequence changes on RNA splicing suggest that this variant may disrupt the consensus splice site. For these reasons, this variant has been classified as Pathogenic.

Fulgent Genetics
Classification: Likely pathogenic for Osteogenesis imperfecta type 8. Last evaluated: 2024-01-24. Review status: criteria provided, single submitter. Criteria: ACMG Guidelines, 2015. Collection method: clinical testing. Allele origin: germline.

Literature cited by the submitters: PubMed 16199547 (cited by Labcorp Genetics (formerly Invitae), Labcorp); PubMed 17277775 (cited by Labcorp Genetics (formerly Invitae), Labcorp); PubMed 18566967 (cited by Labcorp Genetics (formerly Invitae), Labcorp); PubMed 19088120 (cited by Labcorp Genetics (formerly Invitae), Labcorp); PubMed 22281939 (cited by Labcorp Genetics (formerly Invitae), Labcorp); PubMed 39025364 (cited by Labcorp Genetics (formerly Invitae), Labcorp).

NM_022356.4(P3H1):c.1345+1G>A

Gene: P3H1 (prolyl 3-hydroxylase 1; minus strand). Cytogenetic location: 1p34.2.
Variant type: single nucleotide variant.
Coding change: c.1345+1G>A on transcript NM_022356.4 (MANE Select); the canonical splice donor site of the intron after coding-DNA position 1345, G replaced by A.
Molecular consequence: splice donor variant.
Genome position (GRCh38, 1-based): chr1:42,754,868, C>T on the plus strand (G>A on the coding strand, the complement: P3H1 is on the minus strand). VCF-style: chr1-42754868-C-T. GRCh37 (hg19) VCF-style: chr1-43220539-C-T.
Other names: c.1345+1G>A (NM_001146289.2, NM_001243246.2).
Identifiers: ClinVar variation 1519163 (VCV001519163.10), dbSNP rs780595278, ClinGen allele CA801880.